The following is an entry in ClinVar:

ClinVar aggregate classification (germline): Pathogenic (1 of 4 stars; one submission).

Conditions:
Cornelia de Lange syndrome 1 (CDLS1). Also called: Brachmann de Lange syndrome; NIPBL-Related Cornelia de Lange Syndrome; TYPUS DEGENERATIVUS AMSTELODAMENSIS. Identifiers: Orphanet 199, MedGen C4551851, MONDO:0007387, OMIM 122470.

Submission:

Labcorp Genetics (formerly Invitae), Labcorp
Classification: Pathogenic for Cornelia de Lange syndrome 1. Last evaluated: 2021-08-06. Review status: criteria provided, single submitter. Criteria: Invitae Variant Classification Sherloc (09022015). Collection method: clinical testing. Allele origin: germline.
Comment: For these reasons, this variant has been classified as Pathogenic. This premature translational stop signal has been observed in individual(s) with Cornelia de Lange syndrome (PMID: 25447906). This variant is not present in population databases (ExAC no frequency). This sequence change creates a premature translational stop signal (p.Thr558Leufs*7) in the NIPBL gene. It is expected to result in an absent or disrupted protein product. Loss-of-function variants in NIPBL are known to be pathogenic (PMID: 15318302, 19763162, 23505322, 29995837).

Literature cited by the submitters: PubMed 25447906; PubMed 15318302; PubMed 19763162; PubMed 23505322; PubMed 29995837.

NM_133433.4(NIPBL):c.1672del (p.Thr558fs)

Gene: NIPBL (NIPBL cohesin loading factor; plus strand). Cytogenetic location: 5p13.2.
Variant type: Deletion.
Coding change: c.1672del on transcript NM_133433.4 (MANE Select); coding-DNA position 1672, one base deleted (A; older notation c.1672delA).
Protein change: p.Thr558fs; shifts the reading frame from threonine 558.
Molecular consequence: frameshift variant.
Genome position (GRCh38, 1-based): chr5:36,984,852, A deleted; the last of 2 consecutive A bases (chr5:36,984,851-36,984,852); deleting either gives the same sequence. VCF-style (leftmost placement, unchanged base first): chr5-36984850-TA-T. GRCh37 (hg19) VCF-style: chr5-36984952-TA-T.
Other names: c.1672del, p.Thr558fs (NM_015384.5); short protein forms T558fs.
Identifiers: ClinVar variation 1458981 (VCV001458981.6), dbSNP rs2149643317, ClinGen allele CA2573139681.